The following is an entry in ClinVar:

ClinVar aggregate classification (germline): Uncertain significance (1 of 4 stars; one submission).

Allele frequency attached by ClinVar (database versions not stated): gnomAD 0.00001; TOPMed 0.00001; ExAC 0.00003.

Submission:

Ambry Genetics
Classification: Uncertain significance. Last evaluated: 2023-07-20. Review status: criteria provided, single submitter. Criteria: Ambry Variant Classification Scheme 2023. Collection method: clinical testing. Allele origin: germline.
Comment: The p.A1162P variant (also known as c.3484G>C), located in coding exon 16 of the POLQ gene, results from a G to C substitution at nucleotide position 3484. The alanine at codon 1162 is replaced by proline, an amino acid with highly similar properties. This amino acid position is conserved. In addition, this alteration is predicted to be tolerated by in silico analysis. Since supporting evidence is limited at this time, the clinical significance of this alteration remains unclear.

NM_199420.4(POLQ):c.3484G>C (p.Ala1162Pro)

Gene: POLQ (DNA polymerase theta; minus strand). Cytogenetic location: 3q13.33.
Variant type: single nucleotide variant.
Coding change: c.3484G>C on transcript NM_199420.4 (MANE Select); coding-DNA position 3484, G replaced by C.
Protein change: p.Ala1162Pro; replaces alanine 1162 with proline.
Molecular consequence: missense variant.
Genome position (GRCh38, 1-based): chr3:121,489,447, C>G on the plus strand (G>C on the coding strand, the complement: POLQ is on the minus strand). VCF-style: chr3-121489447-C-G. GRCh37 (hg19) VCF-style: chr3-121208294-C-G.
Other names: short protein forms A1162P.
Identifiers: ClinVar variation 1731869 (VCV001731869.3), dbSNP rs776797718, ClinGen allele CA2563050.
Genomic context (GRCh38, chr3:121,489,447, plus strand): 5'-CATTCTGGTTTTTTGAACCATTTTGTATCAGCACTTCATTTATTTTTTCTGCCTCAACAG[C>G]TACTCCTCTGCCCTTTTCACTAACCACACTAGTGGCCTGACAAGTCACATTTTTACTCTG-3'
Protein context (NP_955452.3, residues 1152-1172): SVVSEKGRGV[Ala1162Pro]VEAEKINEVL